The following is an entry in ClinVar:

ClinVar aggregate classification (germline): Pathogenic (1 of 4 stars; one submission).

Conditions:
RAG1-related disorder. Also called: RAG1-related disorders; RAG1-related condition.

Submission:

PreventionGenetics, part of Exact Sciences
Classification: Pathogenic for RAG1-related condition. Last evaluated: 2024-12-27. Review status: criteria provided, single submitter. Criteria: ACMG Guidelines, 2015. Collection method: clinical testing. Allele origin: germline.
Comment: The RAG1 c.607G>T variant is predicted to result in premature protein termination (p.Glu203*). To our knowledge, this variant has not been reported in the literature or in a large population database (gnomAD), indicating this variant is rare. Nonsense variants in RAG1 are expected to be pathogenic. This variant is interpreted as pathogenic.

NM_000448.3(RAG1):c.607G>T (p.Glu203Ter)

Gene: RAG1 (recombination activating 1; plus strand). Cytogenetic location: 11p12.
Variant type: single nucleotide variant.
Coding change: c.607G>T on transcript NM_000448.3 (MANE Select); coding-DNA position 607, G replaced by T.
Protein change: p.Glu203Ter; replaces glutamic acid 203 with a stop codon.
Molecular consequence: nonsense.
Genome position (GRCh38, 1-based): chr11:36,573,911, G>T. VCF-style: chr11-36573911-G-T. GRCh37 (hg19) VCF-style: chr11-36595461-G-T.
Other names: c.607G>T, p.Glu203Ter (NM_001377277.1, NM_001377278.1, NM_001377279.1 and 3 more transcripts); short protein forms E203*.
Identifiers: ClinVar variation 5000597 (VCV005000597.1).